The following is an entry in ClinVar:

NM_032578.4(MYPN):c.3768G>A (p.Ser1256=)

Gene: MYPN (myopalladin; plus strand). Cytogenetic location: 10q21.3.
Variant type: single nucleotide variant.
Coding change: c.3768G>A on transcript NM_032578.4 (MANE Select); coding-DNA position 3768, G replaced by A.
Protein change: p.Ser1256=; no amino-acid change (serine 1256 retained).
Molecular consequence: synonymous variant. On other transcripts: non-coding transcript variant (2).
Genome position (GRCh38, 1-based): chr10:68,206,878, G>A. VCF-style: chr10-68206878-G-A. GRCh37 (hg19) VCF-style: chr10-69966635-G-A.
Other names: c.3768G>A, p.Ser1256= (NM_001256267.2); c.2886G>A, p.Ser962= (NM_001256268.2).
Identifiers: ClinVar variation 381741 (VCV000381741.38), dbSNP rs533708375, ClinGen allele CA5523141.

ClinVar aggregate classification (germline): Benign/Likely benign. Review status: criteria provided, multiple submitters, no conflicts (2 of 4 stars). 6 submissions from 6 submitters: Benign (2); Likely benign (4). Last evaluated 2026-01-27.

Conditions:
MYPN-related disorder. Also called: MYPN-related condition.
Cardiovascular phenotype. Identifiers: MedGen CN230736.
Dilated cardiomyopathy 1KK (CMD1KK). Identifiers: Orphanet 154, Orphanet 75249, MedGen C3714995, MONDO:0014100, OMIM 615248.

Allele frequency attached by ClinVar (database versions not stated): gnomAD 0.00002 and 0.00013; TOPMed 0.00002; 1000 Genomes Project 0.00040; ExAC 0.00040; gnomAD exomes 0.00041; 1000 Genomes Project 30x 0.00047.
gnomAD v4.1: 328 of 1,614,192 alleles (0.02%); highest among the groups gnomAD compares: South Asian, 0.3%; 1 homozygote.

Submissions (6):

Labcorp Genetics (formerly Invitae), Labcorp
Classification: Benign for Dilated cardiomyopathy 1KK. Last evaluated: 2026-01-27. Review status: criteria provided, single submitter. Criteria: Invitae Variant Classification Sherloc (09022015). Collection method: clinical testing. Allele origin: germline.

PreventionGenetics, part of Exact Sciences
Classification: Likely benign for MYPN-related condition. Last evaluated: 2025-11-05. Review status: criteria provided, single submitter. Criteria: ACMG Guidelines, 2015. Collection method: clinical testing. Allele origin: germline.
Comment: This variant is classified as likely benign based on ACMG/AMP sequence variant interpretation guidelines (Richards et al. 2015 PMID: 25741868, with internal and published modifications).

CeGaT Center for Human Genetics Tuebingen
Classification: Likely benign. Last evaluated: 2024-05-01. Review status: criteria provided, single submitter. Criteria: CeGaT Center For Human Genetics Tuebingen Variant Classification Criteria Version 2. Collection method: clinical testing. Allele origin: germline. Affected: yes. Observed: 1 variant allele.
Comment: MYPN: BP4, BP7

Ambry Genetics
Classification: Likely benign for Cardiovascular phenotype. Last evaluated: 2020-08-30. Review status: criteria provided, single submitter. Criteria: Ambry Variant Classification Scheme 2023. Collection method: clinical testing. Allele origin: germline.

Laboratory for Molecular Medicine, Mass General Brigham Personalized Medicine
Classification: Benign. Last evaluated: 2018-05-18. Review status: criteria provided, single submitter. Criteria: LMM Criteria. Collection method: clinical testing. Allele origin: germline. Observed: 1 variant allele.
Comment: p.Ser1256Ser in exon 20 of MYPN: This variant is classified as benign because it does not alter an amino acid residue, it is not located within the splice conse nsus sequence, and splice prediction algorithms do not predict a newly created s plice site. It has been identified in 0.35% (107/30782) of South Asian chromosom es by the Genome Aggregation Database (gnomAD ; dbSNP rs533708375). ACMG/AMP Criteria applied: BA1, BP4, BP7.

GeneDx
Classification: Likely benign. Last evaluated: 2015-11-24. Review status: criteria provided, single submitter. Criteria: GeneDx Variant Classification (06012015). Collection method: clinical testing. Allele origin: germline. Affected: yes.
Comment: This variant is considered likely benign or benign based on one or more of the following criteria: it is a conservative change, it occurs at a poorly conserved position in the protein, it is predicted to be benign by multiple in silico algorithms, and/or has population frequency not consistent with disease.